The following is an entry in ClinVar:

NM_001036.6(RYR3):c.5144G>T (p.Gly1715Val)

Gene: RYR3 (ryanodine receptor 3; plus strand). Cytogenetic location: 15q14.
Variant type: single nucleotide variant.
Coding change: c.5144G>T on transcript NM_001036.6 (MANE Select); coding-DNA position 5144, G replaced by T.
Protein change: p.Gly1715Val; replaces glycine 1715 with valine.
Molecular consequence: missense variant.
Genome position (GRCh38, 1-based): chr15:33,662,674, G>T. VCF-style: chr15-33662674-G-T. GRCh37 (hg19) VCF-style: chr15-33954875-G-T.
Other names: c.5144G>T, p.Gly1715Val (NM_001243996.4); short protein forms G1715V.
Identifiers: ClinVar variation 942127 (VCV000942127.9), dbSNP rs756272113, ClinGen allele CA391571891.
Genomic context (GRCh38, chr15:33,662,674, plus strand): 5'-CTCTGAGTATGCTGACAGAGGCAGTGCAGTGCAGCGGGGCCCACATCCGAGACCCTGTAG[G>T]GGGGTCTGTGGAGTTCCAGTTTGTGCCTGTGCTGAAACTCATTGGAACCCTGCTGGTCAT-3'
Protein context (NP_001027.3, residues 1705-1725): CSGAHIRDPV[Gly1715Val]GSVEFQFVPV

ClinVar aggregate classification (germline): Uncertain significance (1 of 4 stars; one submission).

Conditions:
Epileptic encephalopathy. Identifiers: MedGen C0543888, HP:0200134.

gnomAD v4.1: 1 of 1,614,180 alleles (0.000062%); highest among the groups gnomAD compares: Non-Finnish European, 0.000085%; no homozygotes.

Submission:

Labcorp Genetics (formerly Invitae), Labcorp
Classification: Uncertain significance for Epileptic encephalopathy. Last evaluated: 2019-07-21. Review status: criteria provided, single submitter. Criteria: Invitae Variant Classification Sherloc (09022015). Collection method: clinical testing. Allele origin: germline.
Comment: In summary, the available evidence is currently insufficient to determine the role of this variant in disease. Therefore, it has been classified as a Variant of Uncertain Significance. Algorithms developed to predict the effect of missense changes on protein structure and function (SIFT, PolyPhen-2, Align-GVGD) all suggest that this variant is likely to be disruptive, but these predictions have not been confirmed by published functional studies and their clinical significance is uncertain. This variant has not been reported in the literature in individuals with RYR3-related conditions. This variant is not present in population databases (ExAC no frequency). This sequence change replaces glycine with valine at codon 1715 of the RYR3 protein (p.Gly1715Val). The glycine residue is highly conserved and there is a moderate physicochemical difference between glycine and valine.